The following is an entry in ClinVar:

NM_000212.3(ITGB3):c.790T>G (p.Trp264Gly)

Gene: ITGB3 (integrin subunit beta 3; plus strand). Cytogenetic location: 17q21.32.
Variant type: single nucleotide variant.
Coding change: c.790T>G on transcript NM_000212.3 (MANE Select); coding-DNA position 790, T replaced by G.
Protein change: p.Trp264Gly; replaces tryptophan 264 with glycine.
Molecular consequence: missense variant.
Genome position (GRCh38, 1-based): chr17:47,287,082, T>G. VCF-style: chr17-47287082-T-G. GRCh37 (hg19) VCF-style: chr17-45364448-T-G.
Other names: short protein forms W264G.
Identifiers: ClinVar variation 1931330 (VCV001931330.6), dbSNP rs1567764961, ClinGen allele CA400024359.

ClinVar aggregate classification (germline): Uncertain significance. Review status: criteria provided, multiple submitters, no conflicts (2 of 4 stars). 2 submissions from 2 submitters: Uncertain significance (2). Last evaluated 2025-10-02.

Conditions:
Inborn genetic diseases. Identifiers: MedGen C0950123, MeSH D030342.

Submissions (2):

Ambry Genetics
Classification: Uncertain significance for Inborn genetic diseases. Last evaluated: 2025-10-02. Review status: criteria provided, single submitter. Criteria: Ambry Variant Classification Scheme 2023. Collection method: clinical testing. Allele origin: germline.
Comment: The c.790T>G (p.W264G) alteration is located in exon 6 (coding exon 6) of the ITGB3 gene. This alteration results from a T to G substitution at nucleotide position 790, causing the tryptophan (W) at amino acid position 264 to be replaced by a glycine (G). Based on data from gnomAD, the G allele has an overall frequency of <0.001% (1/251352) total alleles studied. The highest observed frequency was 0.003% (1/34590) of Latino alleles. Based on insufficient or conflicting evidence, the clinical significance of this alteration remains unclear.

Labcorp Genetics (formerly Invitae), Labcorp
Classification: Uncertain significance. Last evaluated: 2022-03-28. Review status: criteria provided, single submitter. Criteria: Invitae Variant Classification Sherloc (09022015). Collection method: clinical testing. Allele origin: germline.
Comment: This variant has not been reported in the literature in individuals affected with ITGB3-related conditions. In summary, the available evidence is currently insufficient to determine the role of this variant in disease. Therefore, it has been classified as a Variant of Uncertain Significance. Algorithms developed to predict the effect of missense changes on protein structure and function (SIFT, PolyPhen-2, Align-GVGD) all suggest that this variant is likely to be disruptive. This sequence change replaces tryptophan, which is neutral and slightly polar, with glycine, which is neutral and non-polar, at codon 264 of the ITGB3 protein (p.Trp264Gly). This variant is not present in population databases (gnomAD no frequency).